The following is an entry in ClinVar:

ClinVar aggregate classification (germline): Uncertain significance. Review status: criteria provided, multiple submitters, no conflicts (2 of 4 stars). 2 submissions from 2 submitters: Uncertain significance (2). Last evaluated 2025-05-05.

Conditions:
Hereditary cancer-predisposing syndrome. Also called: Tumor predisposition; Neoplastic Syndromes, Hereditary; Hereditary Cancer Syndrome; Hereditary neoplastic syndrome. Identifiers: Orphanet 140162, MedGen C0027672, MeSH D009386, MONDO:0015356.
Cardiovascular phenotype. Identifiers: MedGen CN230736.
Neurofibromatosis, type 1 (NF1). Also called: VON RECKLINGHAUSEN DISEASE; NEUROFIBROMATOSIS, TYPE I, SOMATIC; Peripheral type neurofibromatosis; Neurofibromatosis, type I. Identifiers: Orphanet 636, MedGen C0027831, MONDO:0018975, OMIM 162200. Disease mechanism: loss of function.

Allele frequency attached by ClinVar (database versions not stated): gnomAD exomes below 0.00001.
gnomAD v4.1: 1 of 1,612,620 alleles (0.000062%); no homozygotes.

Submissions (2):

Ambry Genetics
Classification: Uncertain significance for Cardiovascular phenotype; Hereditary cancer-predisposing syndrome. Last evaluated: 2025-05-05. Review status: criteria provided, single submitter. Criteria: Ambry Variant Classification Scheme 2023. Collection method: clinical testing. Allele origin: germline.
Comment: The c.1641G>A variant (also known as p.E547E), located in coding exon 14 of the NF1 gene, results from a G to A substitution at nucleotide position 1641. This nucleotide substitution does not change the glutamic acid at codon 547. However, this change occurs in the last base pair of coding exon 14, which makes it likely to have some effect on normal mRNA splicing. This nucleotide position is highly conserved in available vertebrate species. In silico splice site analysis for this alteration is inconclusive; however, direct evidence is insufficient at this time (Ambry internal data). Since supporting evidence is limited at this time, the clinical significance of this alteration remains unclear.

Labcorp Genetics (formerly Invitae), Labcorp
Classification: Uncertain significance for Neurofibromatosis, type 1. Last evaluated: 2022-08-09. Review status: criteria provided, single submitter. Criteria: Invitae Variant Classification Sherloc (09022015). Collection method: clinical testing. Allele origin: germline.
Comment: This sequence change affects codon 547 of the NF1 mRNA. It is a 'silent' change, meaning that it does not change the encoded amino acid sequence of the NF1 protein. This variant also falls at the last nucleotide of exon 14, which is part of the consensus splice site for this exon. This variant is not present in population databases (gnomAD no frequency). This variant has not been reported in the literature in individuals affected with NF1-related conditions. Variants that disrupt the consensus splice site are a relatively common cause of aberrant splicing (PMID: 17576681, 9536098). Studies have shown that this variant is associated with altered splicing resulting in unknown protein product impact (Invitae). In summary, the available evidence is currently insufficient to determine the role of this variant in disease. Therefore, it has been classified as a Variant of Uncertain Significance.

Literature cited by the submitters: PubMed 17576681 (cited by Labcorp Genetics (formerly Invitae), Labcorp); PubMed 9536098 (cited by Labcorp Genetics (formerly Invitae), Labcorp).

NM_001042492.3(NF1):c.1641G>A (p.Glu547=)

Gene: NF1 (neurofibromin 1; plus strand). Cytogenetic location: 17q11.2.
Variant type: single nucleotide variant.
Coding change: c.1641G>A on transcript NM_001042492.3 (MANE Select); coding-DNA position 1641, G replaced by A.
Protein change: p.Glu547=; no amino-acid change (glutamic acid 547 retained).
Molecular consequence: synonymous variant.
Genome position (GRCh38, 1-based): chr17:31,219,118, G>A. VCF-style: chr17-31219118-G-A. GRCh37 (hg19) VCF-style: chr17-29546136-G-A.
Other names: c.1641G>A, p.Glu547= (NM_000267.4, NM_001128147.3).
Identifiers: ClinVar variation 1777060 (VCV001777060.8), dbSNP rs2143987482, ClinGen allele CA499227047.